The following is an entry in ClinVar:

ClinVar aggregate classification (germline): Uncertain significance. Review status: criteria provided, multiple submitters, no conflicts (2 of 4 stars). 2 submissions from 2 submitters: Uncertain significance (2). Last evaluated 2026-06-11.

Conditions:
Inborn genetic diseases. Identifiers: MedGen C0950123, MeSH D030342.

gnomAD v4.1: 3 of 1,613,898 alleles (0.00019%); highest among the groups gnomAD compares: African/African-American, 0.004%; no homozygotes.

Submissions (2):

Ambry Genetics
Classification: Uncertain significance for Inborn genetic diseases. Last evaluated: 2026-06-11. Review status: criteria provided, single submitter. Criteria: Ambry Variant Classification Scheme 2023. Collection method: clinical testing. Allele origin: germline.

GeneDx
Classification: Uncertain significance. Last evaluated: 2025-03-25. Review status: criteria provided, single submitter. Criteria: GeneDx Variant Classification Process June 2021. Collection method: clinical testing. Allele origin: germline. Affected: yes.
Comment: In silico analysis indicates that this missense variant does not alter protein structure/function; Has not been previously published as pathogenic or benign to our knowledge

NM_018896.5(CACNA1G):c.5089G>C (p.Val1697Leu)

Gene: CACNA1G (calcium voltage-gated channel subunit alpha1 G; plus strand). Cytogenetic location: 17q21.33.
Variant type: single nucleotide variant.
Coding change: c.5089G>C on transcript NM_018896.5 (MANE Select); coding-DNA position 5089, G replaced by C.
Protein change: p.Val1697Leu; replaces valine 1697 with leucine.
Molecular consequence: missense variant. On other transcripts: non-coding transcript variant (5).
Genome position (GRCh38, 1-based): chr17:50,617,505, G>C. VCF-style: chr17-50617505-G-C. GRCh37 (hg19) VCF-style: chr17-48694866-G-C.
Other names: c.5056G>C, p.Val1686Leu (NM_198378.3, NM_198380.3, NM_198377.3 and 1 more transcripts); c.4987G>C, p.Val1663Leu (NM_198379.3, NM_198387.3, NM_198396.3 and 2 more transcripts); c.5020G>C, p.Val1674Leu (NM_198382.3, NM_198383.3); c.5089G>C, p.Val1697Leu (NM_198384.3, NM_198385.3, NM_001256327.2 and 1 more transcripts); c.5035G>C, p.Val1679Leu (NM_198386.3, NM_001256324.2, NM_001256328.2); c.4966G>C, p.Val1656Leu (NM_198388.3); c.4975G>C, p.Val1659Leu (NM_001256361.2); c.5110G>C, p.Val1704Leu (NM_001256325.2); and 6 more; short protein forms V1652L, V1661L, V1686L, V1697L, V1679L, V1645L, V1656L, V1659L.
Identifiers: ClinVar variation 4087972 (VCV004087972.2).